The following is an entry in ClinVar:

ClinVar aggregate classification (germline): Uncertain significance (1 of 4 stars; one submission).

Conditions:
MHC class II deficiency. Also called: Bare lymphocyte syndrome 2; BLS, TYPE II. Identifiers: Orphanet 572, MedGen C5447452, MONDO:0008855.

Allele frequency attached by ClinVar (database versions not stated): TOPMed 0.00002.

Submission:

Labcorp Genetics (formerly Invitae), Labcorp
Classification: Uncertain significance for MHC class II deficiency. Last evaluated: 2022-09-24. Review status: criteria provided, single submitter. Criteria: Invitae Variant Classification Sherloc (09022015). Collection method: clinical testing. Allele origin: germline.
Comment: Advanced modeling of protein sequence and biophysical properties (such as structural, functional, and spatial information, amino acid conservation, physicochemical variation, residue mobility, and thermodynamic stability) performed at Invitae indicates that this missense variant is expected to disrupt RFXANK protein function. This variant has not been reported in the literature in individuals affected with RFXANK-related conditions. This variant is not present in population databases (gnomAD no frequency). This sequence change replaces glycine, which is neutral and non-polar, with glutamic acid, which is acidic and polar, at codon 135 of the RFXANK protein (p.Gly135Glu). In summary, the available evidence is currently insufficient to determine the role of this variant in disease. Therefore, it has been classified as a Variant of Uncertain Significance.

NM_003721.4(RFXANK):c.404G>A (p.Gly135Glu)

Gene: RFXANK (regulatory factor X associated ankyrin containing protein; plus strand). Cytogenetic location: 19p13.11.
Variant type: single nucleotide variant.
Coding change: c.404G>A on transcript NM_003721.4 (MANE Select); coding-DNA position 404, G replaced by A.
Protein change: p.Gly135Glu; replaces glycine 135 with glutamic acid.
Molecular consequence: missense variant.
Genome position (GRCh38, 1-based): chr19:19,197,587, G>A. VCF-style: chr19-19197587-G-A. GRCh37 (hg19) VCF-style: chr19-19308396-G-A.
Other names: c.338G>A, p.Gly113Glu (NM_001278727.2, NM_001370234.1); c.335G>A, p.Gly112Glu (NM_001278728.2, NM_134440.3); c.404G>A, p.Gly135Glu (NM_001370233.1, NM_001370238.1); c.401G>A, p.Gly134Glu (NM_001370235.1, NM_001370236.1, NM_001370237.1); short protein forms G112E, G134E, G113E, G135E.
Identifiers: ClinVar variation 1924636 (VCV001924636.5), dbSNP rs1021022752, ClinGen allele CA306277122.
Genomic context (GRCh38, chr19:19,197,587, plus strand): 5'-ACCTCGTCAACAAGCCAGACGAGCGCGGCTTCACCCCCCTCATCTGGGCCTCCGCCTTTG[G>A]AGAGATTGAGACCGTTCGCTTCCTGCTGGAGTGGGTGCGTCCCAGCCCAGCTGGGCAGCT-3'
Protein context (NP_003712.1, residues 125-145): FTPLIWASAF[Gly135Glu]EIETVRFLLE